The following is an entry in ClinVar:

ClinVar aggregate classification (germline): Pathogenic (1 of 4 stars; one submission).

Submission:

Labcorp Genetics (formerly Invitae), Labcorp
Classification: Pathogenic. Last evaluated: 2021-12-25. Review status: criteria provided, single submitter. Criteria: Invitae Variant Classification Sherloc (09022015). Collection method: clinical testing. Allele origin: germline.
Comment: This sequence change creates a premature translational stop signal (p.Tyr1437Leufs*32) in the UBR1 gene. It is expected to result in an absent or disrupted protein product. Loss-of-function variants in UBR1 are known to be pathogenic (PMID: 24599544). For these reasons, this variant has been classified as Pathogenic. This variant has not been reported in the literature in individuals affected with UBR1-related conditions. This variant is not present in population databases (gnomAD no frequency).

Literature cited by the submitters: PubMed 24599544.

NM_174916.3(UBR1):c.4309dup (p.Tyr1437fs)

Gene: UBR1 (ubiquitin protein ligase E3 component n-recognin 1; minus strand). Cytogenetic location: 15q15.2.
Variant type: Duplication.
Coding change: c.4309dup on transcript NM_174916.3 (MANE Select); coding-DNA position 4309, one base duplicated (T; older notation c.4309dupT).
Protein change: p.Tyr1437fs; shifts the reading frame from tyrosine 1437.
Molecular consequence: frameshift variant.
Genome position (GRCh38, 1-based): chr15:42,976,777, A duplicated on the plus strand (T on the coding strand, the reverse complement: UBR1 is on the minus strand); the first of 3 consecutive A bases (chr15:42,976,777-42,976,779); duplicating any one gives the same sequence. VCF-style (leftmost placement, unchanged base first): chr15-42976776-T-TA. GRCh37 (hg19) VCF-style: chr15-43268974-T-TA.
Other names: short protein forms Y1437fs.
Identifiers: ClinVar variation 2060079 (VCV002060079.4), dbSNP rs2542914494, ClinGen allele CA2580089424.